The following is an entry in ClinVar:

NM_018055.5(NODAL):c.*886G>A

Gene: NODAL (nodal growth differentiation factor; minus strand). Cytogenetic location: 10q22.1.
Variant type: single nucleotide variant.
Coding change: c.*886G>A on transcript NM_018055.5 (MANE Select); 886 bases downstream of the stop codon, G replaced by A.
Molecular consequence: 3 prime UTR variant.
Genome position (GRCh38, 1-based): chr10:70,432,050, C>T on the plus strand (G>A on the coding strand, the complement: NODAL is on the minus strand). VCF-style: chr10-70432050-C-T. GRCh37 (hg19) VCF-style: chr10-72191806-C-T.
Other names: c.*886G>A (NM_001329906.2).
Identifiers: ClinVar variation 300285 (VCV000300285.5), dbSNP rs58468830, ClinGen allele CA10631927.
Genomic context (GRCh38, chr10:70,432,050, plus strand): 5'-GATTCACCAGCGTTCCTTTTACAAGTGGAGACTGGACAGTGAATTGCTCACCTGAGGTCG[C>T]ACAGCTTCCAGTGGCTGAGCTGTGACCATAGAGCAAGTATCTTGCCACCCAGGGCAAGGC-3'

ClinVar aggregate classification (germline): Benign. Review status: criteria provided, single submitter (1 of 4 stars). 2 submissions from 1 submitter: Benign (2). Last evaluated 2018-01-12.

Conditions:
Holoprosencephaly sequence (HPE). Also called: Holoprosencephaly. Identifiers: Orphanet 2162, MedGen C0079541, MONDO:0016296, HP:0001360.
Heterotaxy, visceral, 5, autosomal (HTX5). Also called: Heterotaxy, visceral, 5. Identifiers: Orphanet 450, MedGen C3495537, MONDO:0700112, OMIM 270100.

Allele frequency attached by ClinVar (database versions not stated): 1000 Genomes Project 0.01058; gnomAD 0.01100 and 0.01017; TOPMed 0.01204; 1000 Genomes Project 30x 0.01234.
gnomAD v4.1: 1,539 of 152,354 alleles (1%); highest among the groups gnomAD compares: African/African-American, 3.5%; 23 homozygotes.

Submissions (2):

Illumina Laboratory Services, Illumina
Classification: Benign for Holoprosencephaly sequence. Last evaluated: 2018-01-12. Review status: criteria provided, single submitter. Criteria: ICSL Variant Classification Criteria 13 December 2019. Collection method: clinical testing. Allele origin: germline.
Comment: This variant was observed in the ICSL laboratory as part of a predisposition screen in an ostensibly healthy population. It had not been previously curated by ICSL or reported in the Human Gene Mutation Database (HGMD: prior to June 1st, 2018), and was therefore a candidate for classification through an automated scoring system. Utilizing variant allele frequency, disease prevalence and penetrance estimates, and inheritance mode, an automated score was calculated to assess if this variant is too frequent to cause the disease. Based on the score and internal cut-off values, a variant classified as benign is not then subjected to further curation. The score for this variant resulted in a classification of benign for this disease.

Illumina Laboratory Services, Illumina
Classification: Benign for Heterotaxy, visceral, 5, autosomal. Last evaluated: 2018-01-12. Review status: criteria provided, single submitter. Criteria: ICSL Variant Classification Criteria 13 December 2019. Collection method: clinical testing. Allele origin: germline.
Comment: the same text as in the submission from Illumina Laboratory Services, Illumina above.